The following is an entry in ClinVar:

ClinVar aggregate classification (germline): Uncertain significance. Review status: criteria provided, multiple submitters, no conflicts (2 of 4 stars). 5 submissions from 5 submitters: Uncertain significance (5). Last evaluated 2026-07-09.

Conditions:
Polycystic kidney disease, adult type (PKD1). Also called: Polycystic Kidney Disease 1, Autosomal Dominant; Polycystic kidney disease 1; Polycystic kidney disease 1, severe; Polycystic Kidney, Autosomal Dominant; POLYCYSTIC KIDNEY DISEASE 1 WITH OR WITHOUT POLYCYSTIC LIVER DISEASE; POLYCYSTIC KIDNEY DISEASE, ADULT, TYPE I. Identifiers: MedGen C3149841, MONDO:0008263, OMIM 173900.
PKD1-related disorder. Also called: PKD1-related condition.

Allele frequency attached by ClinVar (database versions not stated): gnomAD 0.00001; TOPMed 0.00001; ExAC 0.00004; gnomAD exomes 0.00004.
gnomAD v4.1: 66 of 1,594,334 alleles (0.0041%); highest among the groups gnomAD compares: Non-Finnish European, 0.0051%; no homozygotes.

Submissions (5):

PreventionGenetics, part of Exact Sciences
Classification: Uncertain significance for PKD1-related condition. Last evaluated: 2026-07-09. Review status: criteria provided, single submitter. Criteria: ACMG Guidelines, 2015. Collection method: clinical testing. Allele origin: germline.
Comment: The PKD1 c.7390C>T variant is predicted to result in the amino acid substitution p.Arg2464Cys. To our knowledge, this variant has not been reported in the literature. This variant is reported in 0.0058% of alleles in individuals of East Asian descent in gnomAD. An alternate amino acid change at the same position (p.Arg2464Leu) has been reported as a variant of uncertain significance in a cohort study of individuals with polycystic kidney disease (Supplementary Table 2, Yu et al. 2022. PubMed ID: 35778421) and in an individual with polycystic kidney disease that also had a pathogenic PKD2 variant (Liang et al. 2019. PubMed ID: 31730820). At this time, the clinical significance of the p.Arg2464Cys variant is uncertain due to the absence of conclusive functional and genetic evidence.

GeneDx
Classification: Uncertain significance. Last evaluated: 2025-04-22. Review status: criteria provided, single submitter. Criteria: GeneDx Variant Classification Process June 2021. Collection method: clinical testing. Allele origin: germline. Affected: yes.
Comment: In silico analysis indicates that this missense variant does not alter protein structure/function; Has not been previously published as pathogenic or benign to our knowledge

Genomic Medicine Center of Excellence, King Faisal Specialist Hospital and Research Centre
Classification: Uncertain significance for Polycystic kidney disease, adult type. Last evaluated: 2024-04-04. Review status: criteria provided, single submitter. Criteria: ACMG Guidelines, 2015. Collection method: clinical testing. Allele origin: germline.

Victorian Clinical Genetics Services, Murdoch Childrens Research Institute
Classification: Uncertain significance for Polycystic kidney disease, adult type. Last evaluated: 2021-05-06. Review status: criteria provided, single submitter. Criteria: ACMG Guidelines, 2015. Collection method: clinical testing. Allele origin: germline. Inheritance: Autosomal dominant inheritance. Affected: yes.
Comment: Based on the classification scheme VCGS_Germline_v1.3.4, this variant is classified as VUS-3B. Following criteria are met: 0102 - Loss of function is a known mechanism of disease in this gene and is associated with polycystic kidney disease 1 (MIM#173900). (I) 0107 - This gene is associated with autosomal dominant disease. Polycystic kidney disease 1 (MIM#173900) is predominantly caused by monoallelic variants, with rare reports of biallelic variants causing disease (OMIM). (I) 0200 - Variant is predicted to result in a missense amino acid change from arginine to cysteine. (I) 0251 - This variant is heterozygous. (I) 0302 - Variant is present in gnomAD (v2) <0.001 for a dominant condition (5 heterozygotes, 0 homozygotes). (SP) 0309 - Alternative amino acid changes at the same position have been observed in gnomAD (v2) (highest allele count: 16 heterozygotes, 0 homozygotes). (I) 0502 - Missense variant with conflicting in silico predictions and low conservation. (I) 0600 - Variant is located in the annotated REJ domain (PDB). (I) 0710 - Other missense variants comparable to the one identified in this case have inconclusive previous evidence for pathogenicity. p.(Arg2464Pro) and p.(Arg2464Leu) have been reported as indeterminate and VUS, respectively (PMID: 31730820). (I) 0807 - This variant has no previous evidence of pathogenicity. (I) 0905 - No published segregation evidence has been identified for this variant. (I) 1007 - No published functional evidence has been identified for this variant. (I) 1208 - Inheritance information for this variant is not currently available in this individual. (I) Legend: (SP) - Supporting pathogenic, (I) - Information, (SB) - Supporting benign

Juno Genomics, Hangzhou Juno Genomics, Inc
Classification: Uncertain significance for Polycystic kidney disease, adult type. Review status: criteria provided, single submitter. Criteria: ACMG Guidelines, 2015. Collection method: clinical testing. Allele origin: germline.
Comment: Absent from controls (or at extremely low frequency if recessive) in Genome Aggregation Database.

Literature cited by the submitters: PubMed 31730820 (cited by Victorian Clinical Genetics Services, Murdoch Childrens Research Institute).

NM_001009944.3(PKD1):c.7390C>T (p.Arg2464Cys)

Gene: PKD1 (polycystin 1, transient receptor potential channel interacting; minus strand). Cytogenetic location: 16p13.3.
Variant type: single nucleotide variant.
Coding change: c.7390C>T on transcript NM_001009944.3 (MANE Select); coding-DNA position 7390, C replaced by T.
Protein change: p.Arg2464Cys; replaces arginine 2464 with cysteine.
Molecular consequence: missense variant.
Genome position (GRCh38, 1-based): chr16:2,106,497, G>A on the plus strand (C>T on the coding strand, the complement: PKD1 is on the minus strand). VCF-style: chr16-2106497-G-A. GRCh37 (hg19) VCF-style: chr16-2156498-G-A.
Other names: c.7390C>T, p.Arg2464Cys (NM_000296.4); short protein forms R2464C.
Identifiers: ClinVar variation 1806194 (VCV001806194.6), dbSNP rs762786891, ClinGen allele CA7831151.